The following is an entry in ClinVar:

ClinVar aggregate classification (germline): Uncertain significance. Review status: criteria provided, multiple submitters, no conflicts (2 of 4 stars). 2 submissions from 2 submitters: Uncertain significance (2). Last evaluated 2023-09-02.

Conditions:
Familial thoracic aortic aneurysm and aortic dissection (TAAD). Also called: Thoracic aortic aneurysms and dissections. Identifiers: Orphanet 91387, MedGen C4707243, MONDO:0019625.
Rienhoff syndrome. Also called: LOEYS-DIETZ SYNDROME 5. Identifiers: MedGen C3810012, MONDO:0014262, OMIM 615582.

Allele frequency attached by ClinVar (database versions not stated): TOPMed below 0.00001.

Submissions (2):

Ambry Genetics
Classification: Uncertain significance for Familial thoracic aortic aneurysm and aortic dissection. Last evaluated: 2023-09-02. Review status: criteria provided, single submitter. Criteria: Ambry Variant Classification Scheme 2023. Collection method: clinical testing. Allele origin: germline.
Comment: The p.G45R variant (also known as c.133G>A), located in coding exon 1 of the TGFB3 gene, results from a G to A substitution at nucleotide position 133. The glycine at codon 45 is replaced by arginine, an amino acid with dissimilar properties. This amino acid position is conserved. In addition, this alteration is predicted to be deleterious by in silico analysis. Since supporting evidence is limited at this time, the clinical significance of this alteration remains unclear.

Labcorp Genetics (formerly Invitae), Labcorp
Classification: Uncertain significance for Rienhoff syndrome. Last evaluated: 2023-03-17. Review status: criteria provided, single submitter. Criteria: Invitae Variant Classification Sherloc (09022015). Collection method: clinical testing. Allele origin: germline.
Comment: In summary, the available evidence is currently insufficient to determine the role of this variant in disease. Therefore, it has been classified as a Variant of Uncertain Significance. Advanced modeling of protein sequence and biophysical properties (such as structural, functional, and spatial information, amino acid conservation, physicochemical variation, residue mobility, and thermodynamic stability) performed at Invitae indicates that this missense variant is not expected to disrupt TGFB3 protein function. This variant has not been reported in the literature in individuals affected with TGFB3-related conditions. This variant is not present in population databases (gnomAD no frequency). This sequence change replaces glycine, which is neutral and non-polar, with arginine, which is basic and polar, at codon 45 of the TGFB3 protein (p.Gly45Arg).

NM_003239.5(TGFB3):c.133G>A (p.Gly45Arg)

Gene: TGFB3 (transforming growth factor beta 3; minus strand). Cytogenetic location: 14q24.3.
Variant type: single nucleotide variant.
Coding change: c.133G>A on transcript NM_003239.5 (MANE Select); coding-DNA position 133, G replaced by A.
Protein change: p.Gly45Arg; replaces glycine 45 with arginine.
Molecular consequence: missense variant.
Genome position (GRCh38, 1-based): chr14:75,980,761, C>T on the plus strand (G>A on the coding strand, the complement: TGFB3 is on the minus strand). VCF-style: chr14-75980761-C-T. GRCh37 (hg19) VCF-style: chr14-76447104-C-T.
Other names: c.133G>A, p.Gly45Arg (NM_001329938.2, NM_001329939.2); short protein forms G45R.
Identifiers: ClinVar variation 2586726 (VCV002586726.5), dbSNP rs2035418066, ClinGen allele CA390471586.